The following is an entry in ClinVar:

ClinVar aggregate classification (germline): Uncertain significance (1 of 4 stars; one submission).

gnomAD v4.1: 1 of 1,609,550 alleles (0.000062%); no homozygotes.

Submission:

Labcorp Genetics (formerly Invitae), Labcorp
Classification: Uncertain significance. Last evaluated: 2025-06-13. Review status: criteria provided, single submitter. Criteria: Invitae Variant Classification Sherloc (09022015). Collection method: clinical testing. Allele origin: germline.
Comment: This sequence change replaces arginine, which is basic and polar, with tryptophan, which is neutral and slightly polar, at codon 31 of the MAPKAPK3 protein (p.Arg31Trp). This variant is not present in population databases (gnomAD no frequency). This variant has not been reported in the literature in individuals affected with MAPKAPK3-related conditions. ClinVar contains an entry for this variant (Variation ID: 2797664). An algorithm developed to predict the effect of missense changes on protein structure and function (PolyPhen-2) suggests that this variant is likely to be disruptive. In summary, the available evidence is currently insufficient to determine the role of this variant in disease. Therefore, it has been classified as a Variant of Uncertain Significance.

NM_001243925.2(MAPKAPK3):c.91C>T (p.Arg31Trp)

Gene: MAPKAPK3 (MAPK activated protein kinase 3; plus strand). Cytogenetic location: 3p21.2.
Variant type: single nucleotide variant.
Coding change: c.91C>T on transcript NM_001243925.2 (MANE Select); coding-DNA position 91, C replaced by T.
Protein change: p.Arg31Trp; replaces arginine 31 with tryptophan.
Molecular consequence: missense variant.
Genome position (GRCh38, 1-based): chr3:50,617,656, C>T. VCF-style: chr3-50617656-C-T. GRCh37 (hg19) VCF-style: chr3-50655087-C-T.
Other names: c.91C>T, p.Arg31Trp (NM_001243926.2, NM_004635.5); short protein forms R31W.
Identifiers: ClinVar variation 2797664 (VCV002797664.3), dbSNP rs2032506009, ClinGen allele CA352961446.